The following is an entry in ClinVar:

NM_001875.5(CPS1):c.2830-19_2830-15del

Gene: CPS1 (carbamoyl-phosphate synthase 1; plus strand). Cytogenetic location: 2q34.
Variant type: Microsatellite.
Coding change: c.2830-19_2830-15del on transcript NM_001875.5 (MANE Select); 19 bases into the intron before coding-DNA position 2830 through 15 bases into the intron before coding-DNA position 2830, 5 bases deleted (TATTT; older notation c.2830-19_2830-15delTATTT).
Molecular consequence: intron variant.
Genome position (GRCh38, 1-based): chr2:210,639,131-210,639,135, TATTT deleted; deleting any 5 consecutive bases within chr2:210,639,124-210,639,135 gives the same sequence; the c. name uses the placement nearest the transcript's 3' end. VCF-style (leftmost placement, unchanged base first): chr2-210639123-GTTTAT-G. GRCh37 (hg19) VCF-style: chr2-211503847-GTTTAT-G.
Other names: c.2830-19_2830-15delTATTT (NM_001875.4); c.2830-19_2830-15del (NM_001369257.1, NM_001122633.3); c.2863-19_2863-15del (NM_001369256.1).
Identifiers: ClinVar variation 420201 (VCV000420201.1), dbSNP rs768083645, ClinGen allele CA2086769.

ClinVar aggregate classification (germline): Likely benign (1 of 4 stars; one submission).

Submission:

GeneDx
Classification: Likely benign. Last evaluated: 2016-01-22. Review status: criteria provided, single submitter. Criteria: GeneDx Variant Classification (06012015). Collection method: clinical testing. Allele origin: germline. Affected: yes.
Comment: This variant is considered likely benign or benign based on one or more of the following criteria: it is a conservative change, it occurs at a poorly conserved position in the protein, it is predicted to be benign by multiple in silico algorithms, and/or has population frequency not consistent with disease.